The following is an entry in ClinVar:

NM_003114.5(SPAG1):c.1785G>A (p.Trp595Ter)

Gene: SPAG1 (sperm associated antigen 1; plus strand). Cytogenetic location: 8q22.2.
Variant type: single nucleotide variant.
Coding change: c.1785G>A on transcript NM_003114.5 (MANE Select); coding-DNA position 1785, G replaced by A.
Protein change: p.Trp595Ter; replaces tryptophan 595 with a stop codon.
Molecular consequence: nonsense.
Genome position (GRCh38, 1-based): chr8:100,225,269, G>A. VCF-style: chr8-100225269-G-A. GRCh37 (hg19) VCF-style: chr8-101237497-G-A.
Other names: c.1785G>A, p.Trp595Ter (NM_001374321.1, NM_172218.3); short protein forms W595*.
Identifiers: ClinVar variation 1451939 (VCV001451939.6), dbSNP rs1818457032, ClinGen allele CA371814127.

ClinVar aggregate classification (germline): Pathogenic (1 of 4 stars; one submission).

Conditions:
Primary ciliary dyskinesia 28. Also called: CILIARY DYSKINESIA, PRIMARY, 28, WITH OR WITHOUT SITUS INVERSUS. Identifiers: Orphanet 244, MedGen C3809706, MONDO:0014216, OMIM 615505.

Allele frequency attached by ClinVar (database versions not stated): gnomAD exomes below 0.00001; gnomAD 0.00001.
gnomAD v4.1: 3 of 1,613,758 alleles (0.00019%); highest among the groups gnomAD compares: African/African-American, 0.004%; no homozygotes.

Submission:

Labcorp Genetics (formerly Invitae), Labcorp
Classification: Pathogenic for Primary ciliary dyskinesia 28. Last evaluated: 2023-07-07. Review status: criteria provided, single submitter. Criteria: Invitae Variant Classification Sherloc (09022015). Collection method: clinical testing. Allele origin: germline.
Comment: This sequence change creates a premature translational stop signal (p.Trp595*) in the SPAG1 gene. It is expected to result in an absent or disrupted protein product. Loss-of-function variants in SPAG1 are known to be pathogenic (PMID: 24055112). This variant is not present in population databases (gnomAD no frequency). This variant has not been reported in the literature in individuals affected with SPAG1-related conditions. ClinVar contains an entry for this variant (Variation ID: 1451939). For these reasons, this variant has been classified as Pathogenic.

Literature cited by the submitters: PubMed 24055112.